The following is an entry in ClinVar:

ClinVar aggregate classification (germline): Pathogenic. Review status: criteria provided, multiple submitters, no conflicts (2 of 4 stars). 2 submissions from 2 submitters: Pathogenic (2). Last evaluated 2023-12-04.

Conditions:
PGM1-congenital disorder of glycosylation. Also called: PHOSPHOGLUCOMUTASE 1 DEFICIENCY; PGM1 DEFICIENCY; GLYCOGEN STORAGE DISEASE XIV; GSD XIV; CDG It; Congenital disorder of glycosylation type 1t. Identifiers: Orphanet 319646, MedGen C2752015, MONDO:0013968, OMIM 614921.

Submissions (2):

Labcorp Genetics (formerly Invitae), Labcorp
Classification: Pathogenic for PGM1-congenital disorder of glycosylation. Last evaluated: 2023-12-04. Review status: criteria provided, single submitter. Criteria: Invitae Variant Classification Sherloc (09022015). Collection method: clinical testing. Allele origin: germline.
Comment: This sequence change creates a premature translational stop signal (p.Gln10Argfs*14) in the PGM1 gene. It is expected to result in an absent or disrupted protein product. Loss-of-function variants in PGM1 are known to be pathogenic (PMID: 22492991). This variant is present in population databases (rs759220275, gnomAD 0.0009%). This variant has not been reported in the literature in individuals affected with PGM1-related conditions. ClinVar contains an entry for this variant (Variation ID: 1694516). For these reasons, this variant has been classified as Pathogenic.

CeGaT Center for Human Genetics Tuebingen
Classification: Pathogenic. Last evaluated: 2022-04-01. Review status: criteria provided, single submitter. Criteria: CeGaT Center For Human Genetics Tuebingen Variant Classification Criteria Version 2. Collection method: clinical testing. Allele origin: germline. Affected: yes. Observed: 1 variant allele.
Comment: PGM1: PVS1, PM2

Literature cited by the submitters: PubMed 22492991 (cited by Labcorp Genetics (formerly Invitae), Labcorp).

NM_002633.3(PGM1):c.28_37del (p.Gln10fs)

Genes: PGM1 (phosphoglucomutase 1; plus strand), LOC129930668 (ATAC-STARR-seq lymphoblastoid active region 1127; plus strand). Cytogenetic location: 1p31.3.
Variant type: Deletion.
Coding change: c.28_37del on transcript NM_002633.3 (MANE Select); coding-DNA positions 28 to 37, 10 bases deleted (CAGGCGTACC; older notation c.28_37delCAGGCGTACC).
Protein change: p.Gln10fs; shifts the reading frame from glutamine 10.
Molecular consequence: frameshift variant.
Genome position (GRCh38, 1-based): chr1:63,593,516-63,593,525, CAGGCGTACC deleted; deleting any 10 consecutive bases within chr1:63,593,513-63,593,525 gives the same sequence; the c. name uses the placement nearest the transcript's 3' end. VCF-style (leftmost placement, unchanged base first): chr1-63593512-GACCCAGGCGT-G. GRCh37 (hg19) VCF-style: chr1-64059183-GACCCAGGCGT-G.
Other names: short protein forms Q10fs.
Identifiers: ClinVar variation 1694516 (VCV001694516.34), dbSNP rs759220275, ClinGen allele CA889339.